The following is an entry in ClinVar:

NM_012193.4(FZD4):c.154A>G (p.Met52Val)

Gene: FZD4 (frizzled class receptor 4; minus strand). Cytogenetic location: 11q14.2.
Variant type: single nucleotide variant.
Coding change: c.154A>G on transcript NM_012193.4 (MANE Select); coding-DNA position 154, A replaced by G.
Protein change: p.Met52Val; replaces methionine 52 with valine.
Molecular consequence: missense variant.
Genome position (GRCh38, 1-based): chr11:86,954,932, T>C on the plus strand (A>G on the coding strand, the complement: FZD4 is on the minus strand). VCF-style: chr11-86954932-T-C. GRCh37 (hg19) VCF-style: chr11-86665974-T-C.
Other names: short protein forms M52V.
Identifiers: ClinVar variation 2066935 (VCV002066935.4), dbSNP rs2495874385, ClinGen allele CA382018403.

ClinVar aggregate classification (germline): Uncertain significance (1 of 4 stars; one submission).

Allele frequency attached by ClinVar (database versions not stated): gnomAD exomes below 0.00001.
gnomAD v4.1: 2 of 1,613,478 alleles (0.00012%); highest among the groups gnomAD compares: Non-Finnish European, 0.00017%; no homozygotes.

Submission:

Labcorp Genetics (formerly Invitae), Labcorp
Classification: Uncertain significance. Last evaluated: 2022-06-16. Review status: criteria provided, single submitter. Criteria: Invitae Variant Classification Sherloc (09022015). Collection method: clinical testing. Allele origin: germline.
Comment: Algorithms developed to predict the effect of missense changes on protein structure and function are either unavailable or do not agree on the potential impact of this missense change (SIFT: "Deleterious"; PolyPhen-2: "Benign"; Align-GVGD: "Class C15"). This variant has not been reported in the literature in individuals affected with FZD4-related conditions. This variant is not present in population databases (gnomAD no frequency). This sequence change replaces methionine, which is neutral and non-polar, with valine, which is neutral and non-polar, at codon 52 of the FZD4 protein (p.Met52Val). In summary, the available evidence is currently insufficient to determine the role of this variant in disease. Therefore, it has been classified as a Variant of Uncertain Significance.